The following is an entry in ClinVar:

NM_001374736.1(DST):c.2490+9A>G

Gene: DST (dystonin; minus strand). Cytogenetic location: 6p12.1.
Variant type: single nucleotide variant.
Coding change: c.2490+9A>G on transcript NM_001374736.1 (MANE Select); 9 bases into the intron after coding-DNA position 2490, A replaced by G.
Molecular consequence: intron variant.
Genome position (GRCh38, 1-based): chr6:56,640,134, T>C on the plus strand (A>G on the coding strand, the complement: DST is on the minus strand). VCF-style: chr6-56640134-T-C. GRCh37 (hg19) VCF-style: chr6-56504932-T-C.
Other names: c.2391+9A>G (NM_001144769.5); c.2490+9A>G (NM_001374722.1); c.2517+9A>G (NM_001374734.1); c.1977+9A>G (NM_001144770.2); c.1857+9A>G (NM_001374730.1, NM_001386100.1, NM_183380.4 and 1 more transcripts); c.879+9A>G (NM_015548.5, NM_001723.7).
Identifiers: ClinVar variation 705168 (VCV000705168.12), dbSNP rs759815239, ClinGen allele CA3871416.
Genomic context (GRCh38, chr6:56,640,134, plus strand): 5'-ACTAAGTTTAAAAAAGAAATTGATAACAATAAAGACTGAAACACTCAGGTAAAGTAAACA[T>C]TTTTTTACCTGCATCTCATCAACCCAATTCAAAAGATCCTGAACAAATTTCATATTGATT-3'

ClinVar aggregate classification (germline): Likely benign. Review status: criteria provided, single submitter (1 of 4 stars). 2 submissions from 2 submitters: Likely benign (1). 1 of the submissions does not count toward it. Last evaluated 2025-12-07.

Conditions:
Hereditary sensory and autonomic neuropathy type 6. Also called: Neuropathy, hereditary sensory and autonomic, type VI; HSAN VI. Identifiers: Orphanet 314381, MedGen C3539003, MONDO:0013839, OMIM 614653.
Epidermolysis bullosa simplex 3, localized or generalized intermediate, with BP230 deficiency (EBS3). Also called: Epidermolysis bullosa simplex, autosomal recessive 2; Epidermolysis bullosa simplex due to BP230 deficiency. Identifiers: Orphanet 412181, MedGen C3809470, MONDO:0014180, OMIM 615425.
DST-related disorder. Also called: DST-related condition; DST-related disorders.

Allele frequency attached by ClinVar (database versions not stated): TOPMed 0.00004; ExAC 0.00012.
gnomAD v4.1: 192 of 1,613,042 alleles (0.012%); highest among the groups gnomAD compares: South Asian, 0.076%; no homozygotes.

Submissions (2):

Labcorp Genetics (formerly Invitae), Labcorp
Classification: Likely benign for Epidermolysis bullosa simplex 3, localized or generalized intermediate, with BP230 deficiency; Hereditary sensory and autonomic neuropathy type 6. Last evaluated: 2025-12-07. Review status: criteria provided, single submitter. Criteria: Invitae Variant Classification Sherloc (09022015). Collection method: clinical testing. Allele origin: germline.

PreventionGenetics, part of Exact Sciences
Classification: Likely benign for DST-related condition. Last evaluated: 2019-02-21. Review status: no assertion criteria provided. Collection method: clinical testing. Allele origin: germline. Not counted in ClinVar's aggregate classification.
Comment: This variant is classified as likely benign based on ACMG/AMP sequence variant interpretation guidelines (Richards et al. 2015 PMID: 25741868, with internal and published modifications).